The following is an entry in ClinVar:

NM_002661.5(PLCG2):c.3191C>T (p.Thr1064Ile)

Gene: PLCG2 (phospholipase C gamma 2; plus strand). Cytogenetic location: 16q23.3.
Variant type: single nucleotide variant.
Coding change: c.3191C>T on transcript NM_002661.5 (MANE Select); coding-DNA position 3191, C replaced by T.
Protein change: p.Thr1064Ile; replaces threonine 1064 with isoleucine.
Molecular consequence: missense variant.
Genome position (GRCh38, 1-based): chr16:81,937,896, C>T. VCF-style: chr16-81937896-C-T. GRCh37 (hg19) VCF-style: chr16-81971501-C-T.
Other names: c.3191C>T, p.Thr1064Ile (NM_001425749.1, NM_001425750.1, NM_001425751.1); short protein forms T1064I.
Identifiers: ClinVar variation 4706670 (VCV004706670.1).

ClinVar aggregate classification (germline): Uncertain significance (1 of 4 stars; one submission).

Conditions:
Familial cold autoinflammatory syndrome 3 (FCAS3). Also called: FAMILIAL ATYPICAL COLD URTICARIA; ANTIBODY DEFICIENCY AND IMMUNE DYSREGULATION, PLCG2-ASSOCIATED. Identifiers: Orphanet 300359, MedGen C3280914, MONDO:0013766, OMIM 614468.

gnomAD v4.1: 8 of 1,613,940 alleles (0.0005%); highest among the groups gnomAD compares: African/African-American, 0.004%; no homozygotes.

Submission:

Labcorp Genetics (formerly Invitae), Labcorp
Classification: Uncertain significance for Familial cold autoinflammatory syndrome 3. Last evaluated: 2025-08-25. Review status: criteria provided, single submitter. Criteria: Invitae Variant Classification Sherloc (09022015). Collection method: clinical testing. Allele origin: germline.
Comment: This sequence change replaces threonine, which is neutral and polar, with isoleucine, which is neutral and non-polar, at codon 1064 of the PLCG2 protein (p.Thr1064Ile). The frequency data for this variant in the population databases is considered unreliable, as metrics indicate poor data quality at this position in the gnomAD database. This variant has not been reported in the literature in individuals affected with PLCG2-related conditions. An algorithm developed to predict the effect of missense changes on protein structure and function (PolyPhen-2) suggests that this variant is likely to be tolerated. In summary, the available evidence is currently insufficient to determine the role of this variant in disease. Therefore, it has been classified as a Variant of Uncertain Significance.